The following is an entry in ClinVar:

ClinVar aggregate classification (germline): Pathogenic. Review status: criteria provided, multiple submitters, no conflicts (2 of 4 stars). 6 submissions from 6 submitters: Pathogenic (5). 1 of the submissions does not count toward it. Last evaluated 2025-03-19.

Conditions:
Methylmalonic acidemia (MMA). Also called: Isolated Methylmalonic Acidemia. Identifiers: MedGen C0268583, MeSH C537358, MONDO:0002012, HP:0002912.
Methylmalonic aciduria, cblA type (MACA). Also called: Methylmalonic aciduria, vitamin B12-responsive; Methylmalonic aciduria, vitamin b12-responsive, due to defect in synthesis of adenosylcobalamin, cbla complementation type; MMA cbl A type; Methylmalonic acidemia cblA type; Vitamin B12-responsive methylmalonic acidemia type cblA. Identifiers: Orphanet 28, Orphanet 79310, MedGen C1855109, MONDO:0009613, OMIM 251100.

Allele frequency attached by ClinVar (database versions not stated): TOPMed 0.00001; gnomAD exomes 0.00002 and 0.00001; 1000 Genomes Project 0.00020; gnomAD 0.00001 and 0.00002; ExAC 0.00002; 1000 Genomes Project 30x 0.00016.
gnomAD v4.1: 35 of 1,613,998 alleles (0.0022%); highest among the groups gnomAD compares: African/African-American, 0.0027%; no homozygotes.

Submissions (6):

Natera, Inc.
Classification: Pathogenic for Methylmalonic aciduria cblA type. Last evaluated: 2025-03-19. Review status: criteria provided, single submitter. Criteria: Natera Variant Classification Schema (03/2026). Collection method: clinical testing. Allele origin: germline.
Comment: The c.988C>T variant in MMAA is a nonsense variant predicted to introduce a stop codon at amino acid 330. This variant is expected to result in nonsense mediated decay, truncation, or a dysfunctional protein product. This variant is rare in the general population with a frequency below the threshold expected for the associated phenotype(s). This variant has been observed in one or more individuals affected with the associated recessive disease, as either homozygous or compound heterozygous with a second variant (PMID: 33453710, 15523652, 28497574). Given the available evidence, this variant is classified as Pathogenic.

Baylor Genetics
Classification: Pathogenic for Methylmalonic aciduria, cblA type. Last evaluated: 2024-01-05. Review status: criteria provided, single submitter. Criteria: ACMG Guidelines, 2015. Collection method: clinical testing. Allele origin: unknown.

Labcorp Genetics (formerly Invitae), Labcorp
Classification: Pathogenic for Methylmalonic aciduria, cblA type. Last evaluated: 2023-10-05. Review status: criteria provided, single submitter. Criteria: Invitae Variant Classification Sherloc (09022015). Collection method: clinical testing. Allele origin: germline.
Comment: This sequence change creates a premature translational stop signal (p.Arg330*) in the MMAA gene. While this is not anticipated to result in nonsense mediated decay, it is expected to disrupt the last 89 amino acid(s) of the MMAA protein. This variant is present in population databases (rs571038432, gnomAD 0.003%). This premature translational stop signal has been observed in individuals with cobalamin A type methylmalonic aciduria (PMID: 15523652, 28497574). ClinVar contains an entry for this variant (Variation ID: 203816). This variant disrupts a region of the MMAA protein in which other variant(s) (p.Arg359*) have been determined to be pathogenic (PMID: 23026888; Invitae). This suggests that this is a clinically significant region of the protein, and that variants that disrupt it are likely to be disease-causing. For these reasons, this variant has been classified as Pathogenic.

Women's Health and Genetics/Laboratory Corporation of America, LabCorp
Classification: Pathogenic for Methylmalonic acidemia. Last evaluated: 2019-12-12. Review status: criteria provided, single submitter. Criteria: LabCorp Variant Classification Summary - May 2015. Collection method: clinical testing. Allele origin: germline.
Comment: Variant summary: MMAA c.988C>T (p.Arg330X) results in a premature termination codon, predicted to cause a truncation of the encoded protein or absence of the protein due to nonsense mediated decay, which are commonly known mechanisms for disease. The variant allele was found at a frequency of 8e-06 in 251296 control chromosomes (gnomAD). c.988C>T has been reported in the literature in individuals affected with Methylmalonic Acidemia (Lerner-Ellis_2004, Plessl_2017). These data indicate that the variant is likely to be associated with disease. Two clinical diagnostic laboratories have submitted clinical-significance assessments for this variant to ClinVar (evaluation after 2014) and cited the variant as pathogenic. Based on the evidence outlined above, the variant was classified as pathogenic.

GeneDx
Classification: Pathogenic. Last evaluated: 2015-04-20. Review status: criteria provided, single submitter. Criteria: GeneDx Variant Classification (06012015). Collection method: clinical testing. Allele origin: germline. Affected: yes.
Comment: p.Arg330Ter (CGA>TGA): c.988 C>T in exon 7 of the MMAA gene (NM_172250.2). The R330X nonsense mutation in the MMAA gene has been reported previously in association with methylmalonic acidemia (MMA), cblA type in an individual who was homozygous for the R330X mutation (Lerner-Ellis et al., 2004). This mutation is predicted to cause loss of normal protein function through protein truncation. The variant is found in MMA-MET panel(s).

GeneReviews
No classification provided. Condition: Methylmalonic aciduria, cblA type. Review status: no classification provided. Collection method: literature only. Allele origin: germline. Affected: yes. Not counted in ClinVar's aggregate classification.

Literature cited by the submitters: PubMed 33453710 (cited by Natera, Inc.); PubMed 15523652 (cited by 3 submitters); PubMed 28497574 (cited by 3 submitters); PubMed 23026888 (cited by Labcorp Genetics (formerly Invitae), Labcorp); PubMed 21114891 (cited by Women's Health and Genetics/Laboratory Corporation of America, LabCorp); NCBI Bookshelf NBK1231 (cited by GeneReviews).

NM_172250.3(MMAA):c.988C>T (p.Arg330Ter)

Gene: MMAA (metabolism of cobalamin associated A; plus strand). Cytogenetic location: 4q31.21.
Variant type: single nucleotide variant.
Coding change: c.988C>T on transcript NM_172250.3 (MANE Select); coding-DNA position 988, C replaced by T.
Protein change: p.Arg330Ter; replaces arginine 330 with a stop codon.
Molecular consequence: nonsense.
Genome position (GRCh38, 1-based): chr4:145,655,165, C>T. VCF-style: chr4-145655165-C-T. GRCh37 (hg19) VCF-style: chr4-146576317-C-T.
Other names: p.R330*:CGA>TGA; short protein forms R330*.
Identifiers: ClinVar variation 203816 (VCV000203816.16), dbSNP rs571038432, ClinGen allele CA312708.